The following is an entry in ClinVar:

NM_002691.4(POLD1):c.2590G>A (p.Ala864Thr)

Gene: POLD1 (DNA polymerase delta 1, catalytic subunit; plus strand). Cytogenetic location: 19q13.33.
Variant type: single nucleotide variant.
Coding change: c.2590G>A on transcript NM_002691.4 (MANE Select); coding-DNA position 2590, G replaced by A.
Protein change: p.Ala864Thr; replaces alanine 864 with threonine.
Molecular consequence: missense variant. On other transcripts: non-coding transcript variant (1).
Genome position (GRCh38, 1-based): chr19:50,415,463, G>A. VCF-style: chr19-50415463-G-A. GRCh37 (hg19) VCF-style: chr19-50918720-G-A.
Other names: c.2590G>A, p.Ala864Thr (NM_001256849.1); c.2668G>A, p.Ala890Thr (NM_001308632.1); c.2590G>A (NM_002691.2); short protein forms A864T, A890T.
Identifiers: ClinVar variation 537033 (VCV000537033.12), dbSNP rs765437818, ClinGen allele CA406985347.

ClinVar aggregate classification (germline): Uncertain significance. Review status: criteria provided, multiple submitters, no conflicts (2 of 4 stars). 4 submissions from 4 submitters: Uncertain significance (4). Last evaluated 2025-07-18.

Conditions:
Hereditary cancer-predisposing syndrome. Also called: Tumor predisposition; Neoplastic Syndromes, Hereditary; Hereditary Cancer Syndrome; Hereditary neoplastic syndrome. Identifiers: Orphanet 140162, MedGen C0027672, MeSH D009386, MONDO:0015356.
POLD1-related polyposis and colorectal cancer syndrome (CRCS10). Also called: Colorectal cancer 10; COLORECTAL CANCER, SUSCEPTIBILITY TO, ON CHROMOSOME 19q; Colorectal cancer, susceptibility to, 10. Identifiers: Orphanet 220460, MedGen C2675481, MONDO:0012953, OMIM 612591.
Mandibular hypoplasia-deafness-progeroid syndrome. Also called: Mandibular hypoplasia, deafness, progeroid features, and lipodystrophy syndrome. Identifiers: Orphanet 363649, MedGen C3715192, MONDO:0014157, OMIM 615381.
Immunodeficiency 120. Identifiers: MedGen C5935622, MONDO:0970994, OMIM 620836.

Allele frequency attached by ClinVar (database versions not stated): gnomAD 0.00003; TOPMed 0.00007.
gnomAD v4.1: 4 of 1,612,830 alleles (0.00025%); highest among the groups gnomAD compares: African/African-American, 0.0013%; no homozygotes.

Submissions (4):

Labcorp Genetics (formerly Invitae), Labcorp
Classification: Uncertain significance for POLD1-related polyposis and colorectal cancer syndrome. Last evaluated: 2025-07-18. Review status: criteria provided, single submitter. Criteria: Invitae Variant Classification Sherloc (09022015). Collection method: clinical testing. Allele origin: germline.
Comment: This sequence change replaces alanine, which is neutral and non-polar, with threonine, which is neutral and polar, at codon 864 of the POLD1 protein (p.Ala864Thr). This variant is present in population databases (no rsID available, gnomAD 0.01%). This variant has not been reported in the literature in individuals affected with POLD1-related conditions. ClinVar contains an entry for this variant (Variation ID: 537033). Invitae Evidence Modeling of protein sequence and biophysical properties (such as structural, functional, and spatial information, amino acid conservation, physicochemical variation, residue mobility, and thermodynamic stability) indicates that this missense variant is not expected to disrupt POLD1 protein function with a negative predictive value of 80%. In summary, the available evidence is currently insufficient to determine the role of this variant in disease. Therefore, it has been classified as a Variant of Uncertain Significance.

Ambry Genetics
Classification: Uncertain significance for Hereditary cancer-predisposing syndrome. Last evaluated: 2024-12-20. Review status: criteria provided, single submitter. Criteria: Ambry Variant Classification Scheme 2023. Collection method: clinical testing. Allele origin: germline.
Comment: The p.A864T variant (also known as c.2590G>A), located in coding exon 20 of the POLD1 gene, results from a G to A substitution at nucleotide position 2590. The alanine at codon 864 is replaced by threonine, an amino acid with similar properties. This amino acid position is highly conserved in available vertebrate species. In addition, this alteration is predicted to be tolerated by in silico analysis. Based on the available evidence, the clinical significance of this variant remains unclear.

Fulgent Genetics
Classification: Uncertain significance for POLD1-related polyposis and colorectal cancer syndrome; Mandibular hypoplasia-deafness-progeroid syndrome; Immunodeficiency 120. Last evaluated: 2024-05-02. Review status: criteria provided, single submitter. Criteria: ACMG Guidelines, 2015. Collection method: clinical testing. Allele origin: germline.

GeneDx
Classification: Uncertain significance. Last evaluated: 2024-04-16. Review status: criteria provided, single submitter. Criteria: GeneDx Variant Classification Process June 2021. Collection method: clinical testing. Allele origin: germline. Affected: yes.
Comment: Not observed at significant frequency in large population cohorts (gnomAD); In silico analysis supports that this missense variant has a deleterious effect on protein structure/function; Has not been previously published as a pathogenic or benign germline variant to our knowledge; This variant is associated with the following publications: (PMID: 36814246, 23263490)